The following is an entry in ClinVar:

ClinVar aggregate classification (germline): Likely pathogenic (1 of 4 stars; one submission).

Conditions:
ADNP-related multiple congenital anomalies - intellectual disability - autism spectrum disorder. Also called: Helsmoortel-Van der Aa Syndrome; ADNP-Related Helsmoortel-Van der Aa Syndrome. Identifiers: Orphanet 404448, MedGen C4014538, MONDO:0014379, OMIM 615873. Disease mechanism: loss of function.

Submission:

MGZ Medical Genetics Center
Classification: Likely pathogenic for ADNP-related multiple congenital anomalies - intellectual disability - autism spectrum disorder. Last evaluated: 2021-07-02. Review status: criteria provided, single submitter. Criteria: ACMG Guidelines, 2015. Collection method: clinical testing. Allele origin: germline. Affected: yes. Observed: 1 variant allele.
Comment: ACMG criteria applied: PVS1, PM2_SUP

NM_001282531.3(ADNP):c.2330_2333del (p.Lys777fs)

Gene: ADNP (activity dependent neuroprotector homeobox; minus strand). Cytogenetic location: 20q13.13.
Variant type: Microsatellite.
Coding change: c.2330_2333del on transcript NM_001282531.3 (MANE Select); coding-DNA positions 2330 to 2333, 4 bases deleted (AACA; older notation c.2330_2333delAACA).
Protein change: p.Lys777fs; shifts the reading frame from lysine 777.
Molecular consequence: frameshift variant.
Genome position (GRCh38, 1-based): chr20:50,892,381-50,892,384, TGTT deleted on the plus strand (AACA on the coding strand, the reverse complement: ADNP is on the minus strand); deleting any 4 consecutive bases within chr20:50,892,381-50,892,388 gives the same sequence; the c. name uses the placement nearest the transcript's 3' end. VCF-style (leftmost placement, unchanged base first): chr20-50892380-CTGTT-C. GRCh37 (hg19) VCF-style: chr20-49508917-CTGTT-C.
Other names: c.2330_2333del, p.Lys777fs (NM_001282532.2, NM_001347511.2, NM_015339.5 and 1 more transcripts); short protein forms K777fs.
Identifiers: ClinVar variation 1709759 (VCV001709759.2), dbSNP rs2515578989, ClinGen allele CA2580616337.